The following is an entry in ClinVar:

NM_001041.4(SI):c.4469G>T (p.Ser1490Ile)

Gene: SI (sucrase-isomaltase; minus strand). Cytogenetic location: 3q26.1.
Variant type: single nucleotide variant.
Coding change: c.4469G>T on transcript NM_001041.4 (MANE Select); coding-DNA position 4469, G replaced by T.
Protein change: p.Ser1490Ile; replaces serine 1490 with isoleucine.
Molecular consequence: missense variant.
Genome position (GRCh38, 1-based): chr3:164,998,611, C>A on the plus strand (G>T on the coding strand, the complement: SI is on the minus strand). VCF-style: chr3-164998611-C-A. GRCh37 (hg19) VCF-style: chr3-164716399-C-A.
Other names: c.4469G>T (NM_001041.3); short protein forms S1490I.
Identifiers: ClinVar variation 1361845 (VCV001361845.7), dbSNP rs376437234, ClinGen allele CA2689906.

ClinVar aggregate classification (germline): Uncertain significance. Review status: criteria provided, multiple submitters, no conflicts (2 of 4 stars). 3 submissions from 3 submitters: Uncertain significance (3). Last evaluated 2022-06-22.

Conditions:
Inborn genetic diseases. Identifiers: MedGen C0950123, MeSH D030342.
Sucrase-isomaltase deficiency (CSID). Also called: SI DEFICIENCY; Deficiency of isomaltase; Congenital sucrose isomaltose malabsorption; Sucrose isomaltose enzyme deficiency. Identifiers: Orphanet 35122, MedGen C1283620, MONDO:0009114, OMIM 222900.

Allele frequency attached by ClinVar (database versions not stated): gnomAD 0.00001; ExAC 0.00004; gnomAD exomes 0.00004 and 0.00008; TOPMed 0.00005; ESP Exome Variant Server 0.00008.
gnomAD v4.1: 112 of 1,611,772 alleles (0.0069%); highest among the groups gnomAD compares: Non-Finnish European, 0.0092%; no homozygotes.

Submissions (3):

Labcorp Genetics (formerly Invitae), Labcorp
Classification: Uncertain significance. Last evaluated: 2022-06-22. Review status: criteria provided, single submitter. Criteria: Invitae Variant Classification Sherloc (09022015). Collection method: clinical testing. Allele origin: germline.
Comment: This sequence change replaces serine, which is neutral and polar, with isoleucine, which is neutral and non-polar, at codon 1490 of the SI protein (p.Ser1490Ile). This variant is present in population databases (rs376437234, gnomAD 0.007%). This variant has not been reported in the literature in individuals affected with SI-related conditions. Advanced modeling of protein sequence and biophysical properties (such as structural, functional, and spatial information, amino acid conservation, physicochemical variation, residue mobility, and thermodynamic stability) performed at Invitae indicates that this missense variant is expected to disrupt SI protein function. In summary, the available evidence is currently insufficient to determine the role of this variant in disease. Therefore, it has been classified as a Variant of Uncertain Significance.

Fulgent Genetics
Classification: Uncertain significance for Sucrase-isomaltase deficiency. Last evaluated: 2022-05-07. Review status: criteria provided, single submitter. Criteria: ACMG Guidelines, 2015. Collection method: clinical testing. Allele origin: unknown.

Ambry Genetics
Classification: Uncertain significance for Inborn genetic diseases. Last evaluated: 2021-12-07. Review status: criteria provided, single submitter. Criteria: Ambry Variant Classification Scheme 2023. Collection method: clinical testing. Allele origin: germline.